The following is an entry in ClinVar:

ClinVar aggregate classification (germline): Uncertain significance (1 of 4 stars; one submission).

Allele frequency attached by ClinVar (database versions not stated): gnomAD 0.00001.

Submission:

Labcorp Genetics (formerly Invitae), Labcorp
Classification: Uncertain significance. Last evaluated: 2022-02-21. Review status: criteria provided, single submitter. Criteria: Invitae Variant Classification Sherloc (09022015). Collection method: clinical testing. Allele origin: germline.
Comment: This sequence change replaces valine, which is neutral and non-polar, with isoleucine, which is neutral and non-polar, at codon 557 of the SBF1 protein (p.Val557Ile). In summary, the available evidence is currently insufficient to determine the role of this variant in disease. Therefore, it has been classified as a Variant of Uncertain Significance. Algorithms developed to predict the effect of missense changes on protein structure and function output the following: SIFT: "Tolerated"; PolyPhen-2: "Benign"; Align-GVGD: "Class C0". The isoleucine amino acid residue is found in multiple mammalian species, which suggests that this missense change does not adversely affect protein function. This variant has not been reported in the literature in individuals affected with SBF1-related conditions. This variant is not present in population databases (gnomAD no frequency).

NM_002972.4(SBF1):c.1669G>A (p.Val557Ile)

Gene: SBF1 (SET binding factor 1; minus strand). Cytogenetic location: 22q13.33.
Variant type: single nucleotide variant.
Coding change: c.1669G>A on transcript NM_002972.4 (MANE Select); coding-DNA position 1669, G replaced by A.
Protein change: p.Val557Ile; replaces valine 557 with isoleucine.
Molecular consequence: missense variant.
Genome position (GRCh38, 1-based): chr22:50,464,409, C>T on the plus strand (G>A on the coding strand, the complement: SBF1 is on the minus strand). VCF-style: chr22-50464409-C-T. GRCh37 (hg19) VCF-style: chr22-50902838-C-T.
Other names: c.1672G>A, p.Val558Ile (NM_001365819.1, NM_001410794.1); c.1669G>A, p.Val557Ile (NM_001410795.1, NM_197971.1); short protein forms V557I, V558I.
Identifiers: ClinVar variation 1910805 (VCV001910805.5), dbSNP rs2067657662, ClinGen allele CA412217300.
Genomic context (GRCh38, chr22:50,464,409, plus strand): 5'-TCCCCTCAAACACGTAGGAGATGCAGTTGCGCACAACCTCCAGCCGCCGGGCGCTGTTGA[C>T]ATGCAGCCCACTGCACCGCTCCAGTATGGCAGCTGCGGGGACAGAATACACACACTCGGA-3'
Protein context (NP_002963.2, residues 547-567): AILERCSGLH[Val557Ile]NSARRLEVVR